The following is an entry in ClinVar:

ClinVar aggregate classification (germline): Likely benign (0 of 4 stars; one submission).

Conditions:
RECQL-related disorder. Also called: RECQL-related condition.

Submission:

PreventionGenetics, part of Exact Sciences
Classification: Likely benign for RECQL-related condition. Last evaluated: 2019-11-14. Review status: no assertion criteria provided. Collection method: clinical testing. Allele origin: germline.
Comment: This variant is classified as likely benign based on ACMG/AMP sequence variant interpretation guidelines (Richards et al. 2015 PMID: 25741868, with internal and published modifications).

NM_002907.4(RECQL):c.395-14_395-10dup

Gene: RECQL (RecQ like helicase; minus strand). Cytogenetic location: 12p12.1.
Variant type: Duplication.
Coding change: c.395-14_395-10dup on transcript NM_002907.4 (MANE Select); 14 bases into the intron before coding-DNA position 395 through 10 bases into the intron before coding-DNA position 395, 5 bases duplicated (TTTTT; older notation c.395-14_395-10dupTTTTT).
Molecular consequence: intron variant.
Genome position (GRCh38, 1-based): chr12:21,486,595-21,486,599, AAAAA duplicated on the plus strand (TTTTT on the coding strand, the reverse complement: RECQL is on the minus strand); duplicating any 5 consecutive bases within chr12:21,486,595-21,486,607 gives the same sequence; the c. name uses the placement nearest the transcript's 3' end. VCF-style (leftmost placement, unchanged base first): chr12-21486594-G-GAAAAA. GRCh37 (hg19) VCF-style: chr12-21639528-G-GAAAAA.
Other names: c.395-14_395-10dup (NM_032941.3).
Identifiers: ClinVar variation 3045963 (VCV003045963.2), dbSNP rs10712738, ClinGen allele CA686397777.
Genomic context (GRCh38, chr12:21,486,594, plus strand): 5'-ATTAATTGGTCTTCCATAAGAGAGATCAATGGGCAAATGACGAGTGTAAAACCTAAAAGA[G>GAAAAA]AAAAAAAAAAAAATCTACCTTAAACTTTACACCACCCTCAGAATCAGATGCAAACCATTC-3'